The following is an entry in ClinVar:

NM_018474.6(KIZ):c.131A>G (p.Tyr44Cys)

Gene: KIZ (kizuna centrosomal protein; plus strand). Cytogenetic location: 20p11.23.
Variant type: single nucleotide variant.
Coding change: c.131A>G on transcript NM_018474.6 (MANE Select); coding-DNA position 131, A replaced by G.
Protein change: p.Tyr44Cys; replaces tyrosine 44 with cysteine.
Molecular consequence: missense variant. On other transcripts: 5 prime UTR variant (4), intron variant (1).
Genome position (GRCh38, 1-based): chr20:21,132,138, A>G. VCF-style: chr20-21132138-A-G. GRCh37 (hg19) VCF-style: chr20-21112779-A-G.
Other names: c.131A>G (NM_018474.4); c.-16A>G (NM_001163022.3, NM_001163023.3, NM_001352435.2); c.131A>G, p.Tyr44Cys (NM_001352434.2); c.-256A>G (NM_001352436.2); c.168+5934A>G (NM_001276389.2); short protein forms Y44C.
Identifiers: ClinVar variation 1514142 (VCV001514142.7), dbSNP rs2122310799, ClinGen allele CA408487960.
Genomic context (GRCh38, chr20:21,132,138, plus strand): 5'-AAAATGTTTTTTATTATAGTGAAAAGAAGAGATTGGACCTGGAAAAGAAACTTTATGAAT[A>G]TAATCAGTCTGATACATGCAGGTAAGAGACGACAGTGGGAACAGTTTTCAAGCCAGGTTC-3'
Protein context (NP_060944.3, residues 34-54): RLDLEKKLYE[Tyr44Cys]NQSDTCRVKL

ClinVar aggregate classification (germline): Uncertain significance. Review status: criteria provided, multiple submitters, no conflicts (2 of 4 stars). 2 submissions from 2 submitters: Uncertain significance (2). Last evaluated 2024-10-04.

Allele frequency attached by ClinVar (database versions not stated): gnomAD exomes below 0.00001.
gnomAD v4.1: 2 of 1,472,888 alleles (0.00014%); highest among the groups gnomAD compares: Non-Finnish European, 0.00019%; no homozygotes.

Submissions (2):

Ambry Genetics
Classification: Uncertain significance. Last evaluated: 2024-10-04. Review status: criteria provided, single submitter. Criteria: Ambry Variant Classification Scheme 2023. Collection method: clinical testing. Allele origin: germline.

Labcorp Genetics (formerly Invitae), Labcorp
Classification: Uncertain significance. Last evaluated: 2021-10-13. Review status: criteria provided, single submitter. Criteria: Invitae Variant Classification Sherloc (09022015). Collection method: clinical testing. Allele origin: germline.
Comment: This sequence change replaces tyrosine with cysteine at codon 44 of the KIZ protein (p.Tyr44Cys). The tyrosine residue is highly conserved and there is a large physicochemical difference between tyrosine and cysteine. This variant is not present in population databases (ExAC no frequency). This variant has not been reported in the literature in individuals affected with KIZ-related conditions. Experimental studies and prediction algorithms are not available or were not evaluated, and the functional significance of this variant is currently unknown. In summary, the available evidence is currently insufficient to determine the role of this variant in disease. Therefore, it has been classified as a Variant of Uncertain Significance.